The following is an entry in ClinVar:

NM_020832.3(ZNF687):c.1804G>A (p.Val602Ile)

Gene: ZNF687 (zinc finger protein 687; plus strand). Cytogenetic location: 1q21.3.
Variant type: single nucleotide variant.
Coding change: c.1804G>A on transcript NM_020832.3 (MANE Select); coding-DNA position 1804, G replaced by A.
Protein change: p.Val602Ile; replaces valine 602 with isoleucine.
Molecular consequence: missense variant.
Genome position (GRCh38, 1-based): chr1:151,288,095, G>A. VCF-style: chr1-151288095-G-A. GRCh37 (hg19) VCF-style: chr1-151260571-G-A.
Other names: c.1804G>A, p.Val602Ile (NM_001304763.2, NM_001304764.2); short protein forms V602I.
Identifiers: ClinVar variation 2983865 (VCV002983865.3), dbSNP rs1256906045, ClinGen allele CA341946905.

ClinVar aggregate classification (germline): Uncertain significance (1 of 4 stars; one submission).

gnomAD v4.1: 6 of 1,613,898 alleles (0.00037%); highest among the groups gnomAD compares: African/African-American, 0.008%; no homozygotes.

Submission:

Labcorp Genetics (formerly Invitae), Labcorp
Classification: Uncertain significance. Last evaluated: 2022-11-06. Review status: criteria provided, single submitter. Criteria: Invitae Variant Classification Sherloc (09022015). Collection method: clinical testing. Allele origin: germline.
Comment: This variant has not been reported in the literature in individuals affected with ZNF687-related conditions. This variant is present in population databases (no rsID available, gnomAD 0.008%). This sequence change replaces valine, which is neutral and non-polar, with isoleucine, which is neutral and non-polar, at codon 602 of the ZNF687 protein (p.Val602Ile). Algorithms developed to predict the effect of missense changes on protein structure and function (SIFT, PolyPhen-2, Align-GVGD) all suggest that this variant is likely to be tolerated. In summary, the available evidence is currently insufficient to determine the role of this variant in disease. Therefore, it has been classified as a Variant of Uncertain Significance.